The following is an entry in ClinVar:

ClinVar aggregate classification (germline): Uncertain significance (1 of 4 stars; one submission).

Submission:

Labcorp Genetics (formerly Invitae), Labcorp
Classification: Uncertain significance. Last evaluated: 2023-04-30. Review status: criteria provided, single submitter. Criteria: Invitae Variant Classification Sherloc (09022015). Collection method: clinical testing. Allele origin: germline.
Comment: In summary, the available evidence is currently insufficient to determine the role of this variant in disease. Therefore, it has been classified as a Variant of Uncertain Significance. This variant has not been reported in the literature in individuals affected with KCNH1-related conditions. This variant is not present in population databases (gnomAD no frequency). This sequence change replaces serine, which is neutral and polar, with isoleucine, which is neutral and non-polar, at codon 617 of the KCNH1 protein (p.Ser617Ile). Advanced modeling of protein sequence and biophysical properties (such as structural, functional, and spatial information, amino acid conservation, physicochemical variation, residue mobility, and thermodynamic stability) has been performed at Invitae for this missense variant, however the output from this modeling did not meet the statistical confidence thresholds required to predict the impact of this variant on KCNH1 protein function.

NM_172362.3(KCNH1):c.1850G>T (p.Ser617Ile)

Gene: KCNH1 (potassium voltage-gated channel subfamily H member 1; minus strand). Cytogenetic location: 1q32.2.
Variant type: single nucleotide variant.
Coding change: c.1850G>T on transcript NM_172362.3 (MANE Select); coding-DNA position 1850, G replaced by T.
Protein change: p.Ser617Ile; replaces serine 617 with isoleucine.
Molecular consequence: missense variant.
Genome position (GRCh38, 1-based): chr1:210,797,573, C>A on the plus strand (G>T on the coding strand, the complement: KCNH1 is on the minus strand). VCF-style: chr1-210797573-C-A. GRCh37 (hg19) VCF-style: chr1-210970915-C-A.
Other names: c.1769G>T, p.Ser590Ile (NM_002238.4); short protein forms S590I, S617I.
Identifiers: ClinVar variation 2913982 (VCV002913982.3), dbSNP rs769318388, ClinGen allele CA344872473.